The following is an entry in ClinVar:

ClinVar aggregate classification (germline): Likely benign. Review status: criteria provided, multiple submitters, no conflicts (2 of 4 stars). 2 submissions from 2 submitters: Likely benign (2). Last evaluated 2025-09-24.

Allele frequency attached by ClinVar (database versions not stated): gnomAD exomes below 0.00001; ExAC 0.00001; ESP Exome Variant Server 0.00015; gnomAD 0.00003 and 0.00004; TOPMed 0.00006.
gnomAD v4.1: 9 of 1,613,720 alleles (0.00056%); highest among the groups gnomAD compares: African/African-American, 0.012%; no homozygotes.

Submissions (2):

Labcorp Genetics (formerly Invitae), Labcorp
Classification: Likely benign. Last evaluated: 2025-09-24. Review status: criteria provided, single submitter. Criteria: Invitae Variant Classification Sherloc (09022015). Collection method: clinical testing. Allele origin: germline.

GeneDx
Classification: Likely benign. Last evaluated: 2018-02-07. Review status: criteria provided, single submitter. Criteria: GeneDx Variant Classification (06012015). Collection method: clinical testing. Allele origin: germline. Affected: yes.
Comment: This variant is considered likely benign or benign based on one or more of the following criteria: it is a conservative change, it occurs at a poorly conserved position in the protein, it is predicted to be benign by multiple in silico algorithms, and/or has population frequency not consistent with disease.

NM_012062.5(DNM1L):c.1356+11G>T

Gene: DNM1L (dynamin 1 like; plus strand). Cytogenetic location: 12p11.21.
Variant type: single nucleotide variant.
Coding change: c.1356+11G>T on transcript NM_012062.5 (MANE Select); 11 bases into the intron after coding-DNA position 1356, G replaced by T.
Molecular consequence: intron variant.
Genome position (GRCh38, 1-based): chr12:32,731,522, G>T. VCF-style: chr12-32731522-G-T. GRCh37 (hg19) VCF-style: chr12-32884456-G-T.
Other names: c.1395+11G>T (NM_001278464.2, NM_001278465.2, NM_001330380.2); c.747+11G>T (NM_001278466.2); c.1356+11G>T (NM_001278463.2, NM_012063.4, NM_005690.5).
Identifiers: ClinVar variation 515230 (VCV000515230.8), dbSNP rs375322028, ClinGen allele CA6507506.
Genomic context (GRCh38, chr12:32,731,522, plus strand): 5'-ATGAGGAAATGCAAAGGATCATTCAGCACTGTAGCAATTACAGTACACAGGTAACGGAGA[G>T]AAATGTAACAGGTTTCACATGAACTAGAAAAGGACATGAAGTGGTGGTTTCACTGGGTGG-3'